The following is an entry in ClinVar:

ClinVar aggregate classification (germline): Conflicting classifications of pathogenicity. Review status: criteria provided, conflicting classifications (1 of 4 stars). 2 submissions from 2 submitters: Likely pathogenic (1); Uncertain significance (1). Last evaluated 2024-12-23.

Conditions:
EP300-related disorder. Also called: EP300-related disorders; EP300-related condition.

Submissions (2):

PreventionGenetics, part of Exact Sciences
Classification: Uncertain significance for EP300-related condition. Last evaluated: 2024-12-23. Review status: criteria provided, single submitter. Criteria: ACMG Guidelines, 2015. Collection method: clinical testing. Allele origin: germline.
Comment: The EP300 c.5074T>C variant is predicted to result in the amino acid substitution p.Cys1692Arg. This variant was reported as a de novo variant in an individual with a developmental disorder (Kaplanis et al. 2020. PubMed ID: 33057194). This variant has not been reported in a large population database (gnomAD), indicating this variant is rare. At this time, the clinical significance of this variant is uncertain due to the absence of conclusive functional and genetic evidence.

GeneDx
Classification: Likely pathogenic. Last evaluated: 2017-07-20. Review status: criteria provided, single submitter. Criteria: GeneDx Variant Classification (06012015). Collection method: clinical testing. Allele origin: germline. Affected: yes.
Comment: The C1692R variant in the EP300 gene has not been reported previously as a pathogenic variant, nor as a benign variant, to our knowledge. The C1692R variant is not observed in large population cohorts (Lek et al., 2016; 1000 Genomes Consortium et al., 2015; Exome Variant Server). The C1692R variant is a non-conservative amino acid substitution, which is likely to impact secondary protein structure as these residues differ in polarity, charge, size and/or other properties. In addition, this substitution occurs at a position that is conserved across species, and in silico analysis predicts this variant is probably damaging to the protein structure/function. We interpret C1692R as a likely pathogenic variant.

NM_001429.4(EP300):c.5074T>C (p.Cys1692Arg)

Gene: EP300 (EP300 lysine acetyltransferase; plus strand). Cytogenetic location: 22q13.2.
Variant type: single nucleotide variant.
Coding change: c.5074T>C on transcript NM_001429.4 (MANE Select); coding-DNA position 5074, T replaced by C.
Protein change: p.Cys1692Arg; replaces cysteine 1692 with arginine.
Molecular consequence: missense variant.
Genome position (GRCh38, 1-based): chr22:41,176,785, T>C. VCF-style: chr22-41176785-T-C. GRCh37 (hg19) VCF-style: chr22-41572789-T-C.
Other names: c.4996T>C, p.Cys1666Arg (NM_001362843.2); short protein forms C1692R, C1666R.
Identifiers: ClinVar variation 450583 (VCV000450583.3), dbSNP rs1555912107, ClinGen allele CA411708044.